The following is an entry in ClinVar:

ClinVar aggregate classification (germline): Uncertain significance. Review status: criteria provided, multiple submitters, no conflicts (2 of 4 stars). 2 submissions from 2 submitters: Uncertain significance (2). Last evaluated 2023-08-17.

Conditions:
Hereditary cancer-predisposing syndrome. Also called: Neoplastic Syndromes, Hereditary; Tumor predisposition; Hereditary Cancer Syndrome; Hereditary neoplastic syndrome. Identifiers: Orphanet 140162, MedGen C0027672, MeSH D009386, MONDO:0015356.

Allele frequency attached by ClinVar (database versions not stated): TOPMed below 0.00001.

Submissions (2):

Labcorp Genetics (formerly Invitae), Labcorp
Classification: Uncertain significance. Last evaluated: 2023-08-17. Review status: criteria provided, single submitter. Criteria: Invitae Variant Classification Sherloc (09022015). Collection method: clinical testing. Allele origin: germline.
Comment: This sequence change replaces valine, which is neutral and non-polar, with isoleucine, which is neutral and non-polar, at codon 747 of the MSH3 protein (p.Val747Ile). This variant is not present in population databases (gnomAD no frequency). This variant has not been reported in the literature in individuals affected with MSH3-related conditions. ClinVar contains an entry for this variant (Variation ID: 1788230). An algorithm developed to predict the effect of missense changes on protein structure and function (PolyPhen-2) suggests that this variant is likely to be disruptive. In summary, the available evidence is currently insufficient to determine the role of this variant in disease. Therefore, it has been classified as a Variant of Uncertain Significance.

Ambry Genetics
Classification: Uncertain significance for Hereditary cancer-predisposing syndrome. Last evaluated: 2023-01-07. Review status: criteria provided, single submitter. Criteria: Ambry Variant Classification Scheme 2023. Collection method: clinical testing. Allele origin: germline.
Comment: The p.V747I variant (also known as c.2239G>A), located in coding exon 15 of the MSH3 gene, results from a G to A substitution at nucleotide position 2239. The valine at codon 747 is replaced by isoleucine, an amino acid with highly similar properties. This amino acid position is highly conserved in available vertebrate species. In addition, the in silico prediction for this alteration is inconclusive. Since supporting evidence is limited at this time, the clinical significance of this alteration remains unclear.

NM_002439.5(MSH3):c.2239G>A (p.Val747Ile)

Gene: MSH3 (mutS homolog 3; plus strand). Cytogenetic location: 5q14.1.
Variant type: single nucleotide variant.
Coding change: c.2239G>A on transcript NM_002439.5 (MANE Select); coding-DNA position 2239, G replaced by A.
Protein change: p.Val747Ile; replaces valine 747 with isoleucine.
Molecular consequence: missense variant.
Genome position (GRCh38, 1-based): chr5:80,768,989, G>A. VCF-style: chr5-80768989-G-A. GRCh37 (hg19) VCF-style: chr5-80064808-G-A.
Other names: short protein forms V747I.
Identifiers: ClinVar variation 1788230 (VCV001788230.5), dbSNP rs1280047371, ClinGen allele CA360279769.